The following is an entry in ClinVar:

ClinVar aggregate classification (germline): Uncertain significance (1 of 4 stars; one submission).

Conditions:
Epidermolytic palmoplantar keratoderma, 1 (EPPK1). Also called: TYLOSIS; PALMOPLANTAR KERATODERMA, EPIDERMOLYTIC, WITH KNUCKLE PADS. Identifiers: Orphanet 2199, MedGen CN377798, MONDO:0007758, OMIM 144200.

Submission:

Juno Genomics, Hangzhou Juno Genomics, Inc
Classification: Uncertain significance for Epidermolytic palmoplantar keratoderma, 1. Review status: criteria provided, single submitter. Criteria: ACMG Guidelines, 2015. Collection method: clinical testing. Allele origin: germline. Affected: yes.
Comment: Absent from controls (or at extremely low frequency if recessive) in Genome Aggregation Database, Exome Sequencing Project, 1000 Genomes Project, or Exome Aggregation Consortium.;The prevalence of the variant in affected individuals is significantly increased compared to the prevalence in controls.;Assumed de novo, but without confirmation of paternity and maternity.;Patient's phenotype or family history is highly specific for a disease with a single genetic etiology.

NM_000226.4(KRT9):c.1282C>T (p.Gln428Ter)

Gene: KRT9 (keratin 9; minus strand). Cytogenetic location: 17q21.2.
Variant type: single nucleotide variant.
Coding change: c.1282C>T on transcript NM_000226.4 (MANE Select); coding-DNA position 1282, C replaced by T.
Protein change: p.Gln428Ter; replaces glutamine 428 with a stop codon.
Molecular consequence: nonsense.
Genome position (GRCh38, 1-based): chr17:41,568,274, G>A on the plus strand (C>T on the coding strand, the complement: KRT9 is on the minus strand). VCF-style: chr17-41568274-G-A. GRCh37 (hg19) VCF-style: chr17-39724526-G-A.
Other names: short protein forms Q428*.
Identifiers: ClinVar variation 3382072 (VCV003382072.2).